The following is an entry in ClinVar:

ClinVar aggregate classification (germline): Uncertain significance (1 of 4 stars; one submission).

Submission:

Ambry Genetics
Classification: Uncertain significance. Last evaluated: 2025-12-29. Review status: criteria provided, single submitter. Criteria: Ambry Variant Classification Scheme 2023. Collection method: clinical testing. Allele origin: germline.
Comment: The p.K284N variant (also known as c.852G>C), located in coding exon 9 of the SRP72 gene, results from a G to C substitution at nucleotide position 852. The lysine at codon 284 is replaced by asparagine, an amino acid with similar properties. This amino acid position is conserved. In addition, the in silico prediction for this alteration is inconclusive. Based on the available evidence, the clinical significance of this variant remains unclear.

NM_006947.4(SRP72):c.852G>C (p.Lys284Asn)

Gene: SRP72 (signal recognition particle 72; plus strand). Cytogenetic location: 4q12.
Variant type: single nucleotide variant.
Coding change: c.852G>C on transcript NM_006947.4 (MANE Select); coding-DNA position 852, G replaced by C.
Protein change: p.Lys284Asn; replaces lysine 284 with asparagine.
Molecular consequence: missense variant. On other transcripts: non-coding transcript variant (1).
Genome position (GRCh38, 1-based): chr4:56,483,165, G>C. VCF-style: chr4-56483165-G-C. GRCh37 (hg19) VCF-style: chr4-57349331-G-C.
Other names: c.669G>C, p.Lys223Asn (NM_001267722.2); short protein forms K223N, K284N.
Identifiers: ClinVar variation 4841457 (VCV004841457.1).